The following is an entry in ClinVar:

ClinVar aggregate classification (germline): Benign/Likely benign. Review status: criteria provided, multiple submitters, no conflicts (2 of 4 stars). 4 submissions from 4 submitters: Benign (2); Likely benign (1). 1 of the submissions does not count toward it. Last evaluated 2026-05-01.

Conditions:
LRRC56-related disorder. Also called: LRRC56-related condition.

Allele frequency attached by ClinVar (database versions not stated): 1000 Genomes Project 30x 0.00328; ESP Exome Variant Server 0.00346; 1000 Genomes Project 0.00359; ExAC 0.00375; gnomAD 0.00379 and 0.00416; TOPMed 0.00452.

Submissions (4):

CeGaT Center for Human Genetics Tuebingen
Classification: Likely benign. Last evaluated: 2026-05-01. Review status: criteria provided, single submitter. Criteria: CeGaT Center For Human Genetics Tuebingen Variant Classification Criteria Version 2. Collection method: clinical testing. Allele origin: germline. Affected: yes. Observed: 4 variant alleles.
Comment: LRRC56: BP4, BP7, BS2

Labcorp Genetics (formerly Invitae), Labcorp
Classification: Benign. Last evaluated: 2026-02-02. Review status: criteria provided, single submitter. Criteria: Invitae Variant Classification Sherloc (09022015). Collection method: clinical testing. Allele origin: germline.

Breakthrough Genomics
Classification: Benign. Review status: criteria provided, single submitter. Criteria: ACMG Guidelines, 2015. Collection method: not provided. Allele origin: germline. Inheritance: Autosomal recessive inheritance. Affected: yes.

PreventionGenetics, part of Exact Sciences
Classification: Likely benign for LRRC56-related condition. Last evaluated: 2019-03-01. Review status: no assertion criteria provided. Collection method: clinical testing. Allele origin: germline. Not counted in ClinVar's aggregate classification.
Comment: This variant is classified as likely benign based on ACMG/AMP sequence variant interpretation guidelines (Richards et al. 2015 PMID: 25741868, with internal and published modifications).

NM_198075.4(LRRC56):c.1050C>T (p.Pro350=)

Gene: LRRC56 (leucine rich repeat containing 56; plus strand). Cytogenetic location: 11p15.5.
Variant type: single nucleotide variant.
Coding change: c.1050C>T on transcript NM_198075.4 (MANE Select); coding-DNA position 1050, C replaced by T.
Protein change: p.Pro350=; no amino-acid change (proline 350 retained).
Molecular consequence: synonymous variant.
Genome position (GRCh38, 1-based): chr11:552,101, C>T. VCF-style: chr11-552101-C-T. GRCh37 (hg19) VCF-style: chr11-552101-C-T.
Other names: c.1050C>T (NM_198075.3).
Identifiers: ClinVar variation 1626992 (VCV001626992.34), dbSNP rs144502453, ClinGen allele CA5779939.